The following is an entry in ClinVar:

ClinVar aggregate classification (germline): Uncertain significance (1 of 4 stars; one submission).

Submission:

GeneDx
Classification: Uncertain significance. Last evaluated: 2023-11-28. Review status: criteria provided, single submitter. Criteria: GeneDx Variant Classification Process June 2021. Collection method: clinical testing. Allele origin: germline. Affected: yes.
Comment: Not observed at significant frequency in large population cohorts (gnomAD); In silico analysis supports that this missense variant does not alter protein structure/function; Has not been previously published as pathogenic or benign to our knowledge

NM_078629.4(MSL3):c.985A>G (p.Thr329Ala)

Gene: MSL3 (MSL complex subunit 3; plus strand). Cytogenetic location: Xp22.2.
Variant type: single nucleotide variant.
Coding change: c.985A>G on transcript NM_078629.4 (MANE Select); coding-DNA position 985, A replaced by G.
Protein change: p.Thr329Ala; replaces threonine 329 with alanine.
Molecular consequence: missense variant.
Genome position (GRCh38, 1-based): chrX:11,765,543, A>G. VCF-style: chrX-11765543-A-G. GRCh37 (hg19) VCF-style: chrX-11783662-A-G.
Other names: c.949A>G, p.Thr317Ala (NM_001193270.2); c.538A>G, p.Thr180Ala (NM_001282174.1); c.487A>G, p.Thr163Ala (NM_006800.4); c.985A>G, p.Thr329Ala (NM_078628.2); short protein forms T163A, T180A, T317A, T329A.
Identifiers: ClinVar variation 3364804 (VCV003364804.1).
Genomic context (GRCh38, chrX:11,765,543, plus strand): 5'-TCTCCCAGTCCGCCTTTGTTGAATCCATCCACGCCACAGTCCACAGAGAGTCAGCCGACC[A>G]CCGGTGAACCAGCCACCCCCAAAAGGCGCAAAGCTGAGCCAGAAGCATTGCAGTCTCTGA-3'
Protein context (NP_523353.2, residues 319-339): TPQSTESQPT[Thr329Ala]GEPATPKRRK